The following is an entry in ClinVar:

NM_001127222.2(CACNA1A):c.6360C>T (p.Pro2120=)

Gene: CACNA1A (calcium voltage-gated channel subunit alpha1 A; minus strand). Cytogenetic location: 19p13.13.
Variant type: single nucleotide variant.
Coding change: c.6360C>T on transcript NM_001127222.2 (MANE Select); coding-DNA position 6360, C replaced by T.
Protein change: p.Pro2120=; no amino-acid change (proline 2120 retained).
Molecular consequence: synonymous variant.
Genome position (GRCh38, 1-based): chr19:13,209,478, G>A on the plus strand (C>T on the coding strand, the complement: CACNA1A is on the minus strand). VCF-style: chr19-13209478-G-A. GRCh37 (hg19) VCF-style: chr19-13320292-G-A.
Other names: c.6378C>T, p.Pro2126= (NM_000068.4, NM_023035.3); c.6363C>T, p.Pro2121= (NM_001127221.2); c.6369C>T, p.Pro2123= (NM_001174080.2); c.6363C>T (NM_000068.2).
Identifiers: ClinVar variation 1132891 (VCV001132891.10), dbSNP rs1442058627, ClinGen allele CA505659528.
Genomic context (GRCh38, chr19:13,209,478, plus strand): 5'-CAGCGAGTAATCGTCCAGGCGTCGGGCCTTGGGGCCCAGCACGGAGGCTGAACGCTTCAT[G>A]GGGCTGGTGTCTGAGATGGTCTGGGGGAGGGGACAGGCCGGTGGGCTGGGGTCAGCAGCT-3'
Protein context (NP_001120694.1, residues 2110-2130): NNLSTISDTS[Pro2120=]MKRSASVLGP

ClinVar aggregate classification (germline): Likely benign. Review status: criteria provided, multiple submitters, no conflicts (2 of 4 stars). 2 submissions from 2 submitters: Likely benign (2). Last evaluated 2025-01-23.

Conditions:
Developmental and epileptic encephalopathy, 42 (DEE42A). Also called: DEVELOPMENTAL AND EPILEPTIC ENCEPHALOPATHY 42A; EPILEPTIC ENCEPHALOPATHY, EARLY INFANTILE, 42A; Epileptic encephalopathy, early infantile, 42. Identifiers: MedGen C4310716, MONDO:0014917, OMIM 617106.
Episodic ataxia type 2 (EA2). Also called: ATAXIA, EPISODIC, WITH NYSTAGMUS; ATAXIA, FAMILIAL PAROXYSMAL; CEREBELLAR ATAXIA, PAROXYSMAL, ACETAZOLAMIDE-RESPONSIVE; CEREBELLOPATHY, HEREDITARY PAROXYSMAL; ACETAZOLAMIDE-RESPONSIVE HEREDITARY PAROXYSMAL CEREBELLAR ATAXIA; EPISODIC ATAXIA, NYSTAGMUS-ASSOCIATED. Identifiers: Orphanet 97, MedGen C1720416, MONDO:0007163, OMIM 108500.

Allele frequency attached by ClinVar (database versions not stated): gnomAD 0.00001; TOPMed 0.00002.

Submissions (2):

Athena Diagnostics
Classification: Likely benign. Last evaluated: 2025-01-23. Review status: criteria provided, single submitter. Criteria: Athena Diagnostics Criteria. Collection method: clinical testing. Allele origin: unknown.
Comment: Computational tools yielded predictions that this variant is unlikely to have an effect on normal RNA splicing. This variant has been seen where an alternate explanation for disease was also identified.

Labcorp Genetics (formerly Invitae), Labcorp
Classification: Likely benign for Developmental and epileptic encephalopathy, 42; Episodic ataxia type 2. Last evaluated: 2024-09-27. Review status: criteria provided, single submitter. Criteria: Invitae Variant Classification Sherloc (09022015). Collection method: clinical testing. Allele origin: germline.